The following is an entry in ClinVar:

NM_177550.5(SLC13A5):c.1101A>G (p.Leu367=)

Gene: SLC13A5 (solute carrier family 13 member 5; minus strand). Cytogenetic location: 17p13.1.
Variant type: single nucleotide variant.
Coding change: c.1101A>G on transcript NM_177550.5 (MANE Select); coding-DNA position 1101, A replaced by G.
Protein change: p.Leu367=; no amino-acid change (leucine 367 retained).
Molecular consequence: synonymous variant.
Genome position (GRCh38, 1-based): chr17:6,694,152, T>C on the plus strand (A>G on the coding strand, the complement: SLC13A5 is on the minus strand). VCF-style: chr17-6694152-T-C. GRCh37 (hg19) VCF-style: chr17-6597471-T-C.
Other names: p.Leu367=; c.1101A>G, p.Leu367= (NM_001143838.3); c.1050A>G, p.Leu350= (NM_001284509.2); c.972A>G, p.Leu324= (NM_001284510.2).
Identifiers: ClinVar variation 380942 (VCV000380942.26), dbSNP rs61520357, ClinGen allele CA8331514.
Genomic context (GRCh38, chr17:6,694,152, plus strand): 5'-CTTACCTTCCTCAGTCTGGCTGCGGAAGTTAAACTTGGGCTTCTGTGAAGGCACAATGAA[T>C]AGCAGGGTGGCCACAAAGATGGCCACAGTGGCATCGGAGACATACCTAGGTGGGGAAAAG-3'
Protein context (NP_808218.1, residues 357-377): ATVAIFVATL[Leu367=]FIVPSQKPKF

ClinVar aggregate classification (germline): Benign/Likely benign. Review status: criteria provided, multiple submitters, no conflicts (2 of 4 stars). 9 submissions from 9 submitters: Benign (7); Likely benign (2). Last evaluated 2026-01-19.

Conditions:
Inborn genetic diseases. Identifiers: MedGen C0950123, MeSH D030342.
Developmental and epileptic encephalopathy, 25 (DEE25). Also called: Developmental and epileptic encephalopathy 25, with amelogenesis imperfecta; Epileptic encephalopathy, early infantile, 25, with amelogenesis imperfecta; Epileptic encephalopathy, early infantile, 25. Identifiers: Orphanet 442835, MedGen C4014621, MONDO:0014392, OMIM 615905.

Allele frequency attached by ClinVar (database versions not stated): gnomAD exomes 0.00083 and 0.00205; ExAC 0.00267; gnomAD 0.00855 and 0.00918; 1000 Genomes Project 0.00859; TOPMed 0.00951; 1000 Genomes Project 30x 0.00968; ESP Exome Variant Server 0.00984.

Submissions (9):

Labcorp Genetics (formerly Invitae), Labcorp
Classification: Benign for Developmental and epileptic encephalopathy, 25. Last evaluated: 2026-01-19. Review status: criteria provided, single submitter. Criteria: Invitae Variant Classification Sherloc (09022015). Collection method: clinical testing. Allele origin: germline.

Athena Diagnostics
Classification: Benign. Last evaluated: 2024-10-31. Review status: criteria provided, single submitter. Criteria: Athena Diagnostics Criteria. Collection method: clinical testing. Allele origin: unknown.

ARUP Laboratories, Molecular Genetics and Genomics, ARUP Laboratories
Classification: Benign for Developmental and epileptic encephalopathy, 25. Last evaluated: 2024-07-25. Review status: criteria provided, single submitter. Criteria: ARUP Molecular Germline Variant Investigation Process 2024. Collection method: clinical testing. Allele origin: germline.

Genome-Nilou Lab
Classification: Benign for Developmental and epileptic encephalopathy, 25. Last evaluated: 2021-07-15. Review status: criteria provided, single submitter. Criteria: ACMG Guidelines, 2015. Collection method: clinical testing. Allele origin: germline. Affected: no.

Genetic Services Laboratory, University of Chicago
Classification: Benign. Last evaluated: 2020-06-23. Review status: criteria provided, single submitter. Criteria: ACMG Guidelines, 2015. Collection method: clinical testing. Allele origin: germline. Affected: no.

Mayo Clinic Laboratories, Mayo Clinic
Classification: Benign. Last evaluated: 2018-12-10. Review status: criteria provided, single submitter. Criteria: ACMG Guidelines, 2015. Collection method: clinical testing. Allele origin: germline. Observed: 5 variant alleles.

Ambry Genetics
Classification: Likely benign for Inborn genetic diseases. Last evaluated: 2016-06-06. Review status: criteria provided, single submitter. Criteria: Ambry Variant Classification Scheme 2023. Collection method: clinical testing. Allele origin: germline.

GeneDx
Classification: Benign. Last evaluated: 2016-02-25. Review status: criteria provided, single submitter. Criteria: GeneDx Variant Classification (06012015). Collection method: clinical testing. Allele origin: germline. Affected: yes.
Comment: This variant is considered likely benign or benign based on one or more of the following criteria: it is a conservative change, it occurs at a poorly conserved position in the protein, it is predicted to be benign by multiple in silico algorithms, and/or has population frequency not consistent with disease.

Breakthrough Genomics
Classification: Likely benign. Review status: criteria provided, single submitter. Criteria: ACMG Guidelines, 2015. Collection method: not provided. Allele origin: germline. Inheritance: Autosomal recessive inheritance. Affected: yes.